The following is an entry in ClinVar:

ClinVar aggregate classification (germline): Uncertain significance (1 of 4 stars; one submission).

Conditions:
Neurodevelopmental disorder with impaired speech and hyperkinetic movements. Identifiers: MedGen C5193088, MONDO:0032741, OMIM 618425.

Allele frequency attached by ClinVar (database versions not stated): ExAC 0.00001.

Submission:

Foundation for Research in Genetics and Endocrinology, FRIGE's Institute of Human Genetics
Classification: Uncertain significance for Neurodevelopmental disorder with impaired speech and hyperkinetic movements. Last evaluated: 2024-03-23. Review status: criteria provided, single submitter. Criteria: ACMG Guidelines, 2015. Collection method: clinical testing. Allele origin: germline. Inheritance: Autosomal recessive inheritance. Observed: 1 heterozygote.
Comment: A heterozygous missense variant in exon 9 of the ZNF142 gene that results in the amino acid substitution of Alanine for Threonine at codon 991 (p.Thr991Ala) was detected. The observed variant has not been reported in the 1000 genomes, gnomAD (v3.1), gnomAD (v2.1), topmed databases. The in-silico predictions of the variant are benign by PolyPhen-2 (HumDiv) and MutationTaster2. The reference codon is conserved across species. In summary, the variant meets our criteria to be classified as variant of uncertain significance.

NM_001379659.1(ZNF142):c.2971A>G (p.Thr991Ala)

Gene: ZNF142 (zinc finger protein 142; minus strand). Cytogenetic location: 2q35.
Variant type: single nucleotide variant.
Coding change: c.2971A>G on transcript NM_001379659.1 (MANE Select); coding-DNA position 2971, A replaced by G.
Protein change: p.Thr991Ala; replaces threonine 991 with alanine.
Molecular consequence: missense variant.
Genome position (GRCh38, 1-based): chr2:218,644,145, T>C on the plus strand (A>G on the coding strand, the complement: ZNF142 is on the minus strand). VCF-style: chr2-218644145-T-C. GRCh37 (hg19) VCF-style: chr2-219508868-T-C.
Other names: p.Thr991Ala; c.2371A>G, p.Thr791Ala (NM_001379662.1, NM_001366291.3, NM_001105537.5); c.1882A>G, p.Thr628Ala (NM_001366288.3, NM_001366289.3, NM_001366287.3); c.2971A>G, p.Thr991Ala (NM_001366290.3, NM_001379660.1, NM_001379661.1); short protein forms T628A, T791A, T991A.
Identifiers: ClinVar variation 3064795 (VCV003064795.2), dbSNP rs781233013, ClinGen allele CA2109084.
Genomic context (GRCh38, chr2:218,644,145, plus strand): 5'-CCTGTCTCCTTAGGGCCTTGAGTAATGACTCTGACTCAGGTAATGGGGGCAAGGGTGCTG[T>C]CTCAGCAGGTGGAGTTGTCTTGAAGGTTCCTACCCAGTTGTTAGGAGCCTCCTCTAAGGA-3'
Protein context (NP_001366588.1, residues 981-1001): GTFKTTPPAE[Thr991Ala]APLPPLPESE